The following is an entry in ClinVar:

NM_020166.5(MCCC1):c.1339G>A (p.Ala447Thr)

Gene: MCCC1 (methylcrotonyl-CoA carboxylase subunit 1; minus strand). Cytogenetic location: 3q27.1.
Variant type: single nucleotide variant.
Coding change: c.1339G>A on transcript NM_020166.5 (MANE Select); coding-DNA position 1339, G replaced by A.
Protein change: p.Ala447Thr; replaces alanine 447 with threonine.
Molecular consequence: missense variant. On other transcripts: non-coding transcript variant (2).
Genome position (GRCh38, 1-based): chr3:183,039,064, C>T on the plus strand (G>A on the coding strand, the complement: MCCC1 is on the minus strand). VCF-style: chr3-183039064-C-T. GRCh37 (hg19) VCF-style: chr3-182756852-C-T.
Other names: c.988G>A, p.Ala330Thr (NM_001293273.2); c.1012G>A, p.Ala338Thr (NM_001363880.1); short protein forms A447T, A330T, A338T.
Identifiers: ClinVar variation 476394 (VCV000476394.6), dbSNP rs546480708, ClinGen allele CA2718806.

ClinVar aggregate classification (germline): Uncertain significance (1 of 4 stars; one submission).

Conditions:
3-methylcrotonyl-CoA carboxylase 1 deficiency (MCC1D). Also called: MCC 1 deficiency; 3 Alpha methylcrotonylglycinuria 1; MCCD TYPE 1; METHYLCROTONYLGLYCINURIA TYPE I. Identifiers: Orphanet 6, MedGen CN028786, MONDO:0008861, OMIM 210200.

gnomAD v4.1: 2 of 1,614,066 alleles (0.00012%); highest among the groups gnomAD compares: South Asian, 0.0011%; no homozygotes.

Submission:

Labcorp Genetics (formerly Invitae), Labcorp
Classification: Uncertain significance for 3-methylcrotonyl-CoA carboxylase 1 deficiency. Last evaluated: 2021-09-01. Review status: criteria provided, single submitter. Criteria: Invitae Variant Classification Sherloc (09022015). Collection method: clinical testing. Allele origin: germline.
Comment: This sequence change replaces alanine with threonine at codon 447 of the MCCC1 protein (p.Ala447Thr). The alanine residue is highly conserved and there is a small physicochemical difference between alanine and threonine. This variant is present in population databases (rs546480708, ExAC 0.001%). This variant has not been reported in the literature in individuals affected with MCCC1-related conditions. Algorithms developed to predict the effect of missense changes on protein structure and function (SIFT, PolyPhen-2, Align-GVGD) all suggest that this variant is likely to be disruptive. In summary, the available evidence is currently insufficient to determine the role of this variant in disease. Therefore, it has been classified as a Variant of Uncertain Significance.